The following is an entry in ClinVar:

NM_000455.5(STK11):c.374+5C>A

Gene: STK11 (serine/threonine kinase 11; plus strand). Cytogenetic location: 19p13.3.
Variant type: single nucleotide variant.
Coding change: c.374+5C>A on transcript NM_000455.5 (MANE Select); 5 bases into the intron after coding-DNA position 374, C replaced by A.
Molecular consequence: intron variant.
Genome position (GRCh38, 1-based): chr19:1,218,505, C>A. VCF-style: chr19-1218505-C-A. GRCh37 (hg19) VCF-style: chr19-1218504-C-A.
Identifiers: ClinVar variation 1523061 (VCV001523061.8), dbSNP rs2145420888, ClinGen allele CA2573155752.

ClinVar aggregate classification (germline): Uncertain significance. Review status: criteria provided, multiple submitters, no conflicts (2 of 4 stars). 2 submissions from 2 submitters: Uncertain significance (2). Last evaluated 2021-08-05.

Conditions:
Hereditary cancer-predisposing syndrome. Also called: Tumor predisposition; Hereditary neoplastic syndrome; Neoplastic Syndromes, Hereditary; Hereditary Cancer Syndrome. Identifiers: Orphanet 140162, MedGen C0027672, MeSH D009386, MONDO:0015356.
Peutz-Jeghers syndrome (PJS). Also called: POLYPOSIS, HAMARTOMATOUS INTESTINAL; POLYPS-AND-SPOTS SYNDROME; Peutz-Jeghers polyposis; Periorificial lentiginosis syndrome. Identifiers: Orphanet 2869, MedGen C0031269, MeSH D010580, MONDO:0008280, OMIM 175200.

Submissions (2):

Ambry Genetics
Classification: Uncertain significance for Hereditary cancer-predisposing syndrome. Last evaluated: 2021-08-05. Review status: criteria provided, single submitter. Criteria: Ambry Variant Classification Scheme 2023. Collection method: clinical testing. Allele origin: germline.
Comment: The c.374+5C>A intronic variant results from a C to A substitution 5 nucleotides after coding exon 2 in the STK11 gene. This nucleotide position is highly conserved in available vertebrate species. In silico splice site analysis predicts that this alteration will weaken the native splice donor site. Since supporting evidence is limited at this time, the clinical significance of this alteration remains unclear.

Labcorp Genetics (formerly Invitae), Labcorp
Classification: Uncertain significance for Peutz-Jeghers syndrome. Last evaluated: 2021-04-04. Review status: criteria provided, single submitter. Criteria: Invitae Variant Classification Sherloc (09022015). Collection method: clinical testing. Allele origin: germline.
Comment: In summary, the available evidence is currently insufficient to determine the role of this variant in disease. Therefore, it has been classified as a Variant of Uncertain Significance. Nucleotide substitutions within the consensus splice site are a relatively common cause of aberrant splicing (PMID: 17576681, 9536098). Experimental studies and prediction algorithms are not available or were not evaluated, and the effect of this variant on mRNA splicing is currently unknown. This variant has not been reported in the literature in individuals with STK11-related conditions. This variant is not present in population databases (ExAC no frequency). This sequence change falls in intron 2 of the STK11 gene. It does not directly change the encoded amino acid sequence of the STK11 protein. It affects a nucleotide within the consensus splice site of the intron.

Literature cited by the submitters: PubMed 17576681 (cited by Labcorp Genetics (formerly Invitae), Labcorp); PubMed 9536098 (cited by Labcorp Genetics (formerly Invitae), Labcorp).